The following is an entry in ClinVar:

NM_002047.4(GARS1):c.1092G>T (p.Lys364Asn)

Gene: GARS1 (glycyl-tRNA synthetase 1; plus strand). Cytogenetic location: 7p14.3.
Variant type: single nucleotide variant.
Coding change: c.1092G>T on transcript NM_002047.4 (MANE Select); coding-DNA position 1092, G replaced by T.
Protein change: p.Lys364Asn; replaces lysine 364 with asparagine.
Molecular consequence: missense variant.
Genome position (GRCh38, 1-based): chr7:30,615,956, G>T. VCF-style: chr7-30615956-G-T. GRCh37 (hg19) VCF-style: chr7-30655572-G-T.
Other names: c.930G>T, p.Lys310Asn (NM_001316772.1); short protein forms K364N, K310N.
Identifiers: ClinVar variation 958952 (VCV000958952.9), dbSNP rs1357360844, ClinGen allele CA367126101.

ClinVar aggregate classification (germline): Uncertain significance (1 of 4 stars; one submission).

Conditions:
Charcot-Marie-Tooth disease type 2. Also called: Charcot-Marie-Tooth type 2. Identifiers: Orphanet 64746, MedGen C0270914, MONDO:0018993.

Allele frequency attached by ClinVar (database versions not stated): TOPMed below 0.00001; gnomAD exomes below 0.00001.

Submission:

Labcorp Genetics (formerly Invitae), Labcorp
Classification: Uncertain significance for Charcot-Marie-Tooth disease type 2. Last evaluated: 2023-02-25. Review status: criteria provided, single submitter. Criteria: Invitae Variant Classification Sherloc (09022015). Collection method: clinical testing. Allele origin: germline.
Comment: This variant is present in population databases (no rsID available, gnomAD 0.0009%). This variant has not been reported in the literature in individuals affected with GARS-related conditions. ClinVar contains an entry for this variant (Variation ID: 958952). Advanced modeling of protein sequence and biophysical properties (such as structural, functional, and spatial information, amino acid conservation, physicochemical variation, residue mobility, and thermodynamic stability) performed at Invitae indicates that this missense variant is not expected to disrupt GARS protein function. In summary, the available evidence is currently insufficient to determine the role of this variant in disease. Therefore, it has been classified as a Variant of Uncertain Significance. This sequence change replaces lysine, which is basic and polar, with asparagine, which is neutral and polar, at codon 364 of the GARS protein (p.Lys364Asn).